The following is an entry in ClinVar:

ClinVar aggregate classification (germline): Uncertain significance (1 of 4 stars; one submission).

Allele frequency attached by ClinVar (database versions not stated): gnomAD exomes below 0.00001.

Submission:

GeneDx
Classification: Uncertain significance. Last evaluated: 2018-07-18. Review status: criteria provided, single submitter. Criteria: GeneDx Variant Classification (06012015). Collection method: clinical testing. Allele origin: germline. Affected: yes.
Comment: The H405N variant in the ZNF711 gene has not been reported previously as a pathogenic variant, nor as a benign variant, to our knowledge. The H405N variant is not observed in large population cohorts (Lek et al., 2016; 1000 Genomes Consortium et al., 2015; Exome Variant Server). The H405N variant is a semi-conservative amino acid substitution, which occurs at a position that is conserved across species. In silico analysis predicts this variant is probably damaging to the protein structure/function. We interpret H405N as a variant of uncertain significance

NM_001330574.2(ZNF711):c.1351C>A (p.His451Asn)

Gene: ZNF711 (zinc finger protein 711; plus strand). Cytogenetic location: Xq21.1.
Variant type: single nucleotide variant.
Coding change: c.1351C>A on transcript NM_001330574.2 (MANE Select); coding-DNA position 1351, C replaced by A.
Protein change: p.His451Asn; replaces histidine 451 with asparagine.
Molecular consequence: missense variant.
Genome position (GRCh38, 1-based): chrX:85,270,755, C>A. VCF-style: chrX-85270755-C-A. GRCh37 (hg19) VCF-style: chrX-84525761-C-A.
Other names: c.1213C>A, p.His405Asn (NM_021998.5); short protein forms H405N, H451N.
Identifiers: ClinVar variation 422024 (VCV000422024.2), dbSNP rs1064795506, ClinGen allele CA16621516.
Genomic context (GRCh38, chrX:85,270,755, plus strand): 5'-TGCCATATTTGCACAAAAAAGTTTAAATCCAGGGGATTCTTAAAAAGACACATGAAGAAT[C>A]ATCCTGATCATTTAATGAGAAAAAAATATCAGTGTACAGATTGTGACTTTACAACTAACA-3'
Protein context (NP_001317503.1, residues 441-461): RGFLKRHMKN[His451Asn]PDHLMRKKYQ